The following is an entry in ClinVar:

ClinVar aggregate classification (germline): Conflicting classifications of pathogenicity. Review status: criteria provided, conflicting classifications (1 of 4 stars). 4 submissions from 4 submitters: Likely pathogenic (1); Uncertain significance (3). Last evaluated 2025-06-20.

Conditions:
Progressive sclerosing poliodystrophy (MTDPS4A). Also called: ALPERS DIFFUSE DEGENERATION OF CEREBRAL GRAY MATTER WITH HEPATIC CIRRHOSIS; Alpers-Huttenlocher Syndrome; ALPERS PROGRESSIVE INFANTILE POLIODYSTROPHY; NEURONAL DEGENERATION OF CHILDHOOD WITH LIVER DISEASE, PROGRESSIVE; Mitochondrial DNA Depletion Syndrome 4A; Alpers-Huttenlocher Syndrome (AHS). Identifiers: Orphanet 726, MedGen C0205710, MONDO:0008758, OMIM 203700.

Allele frequency attached by ClinVar (database versions not stated): TOPMed 0.00001; gnomAD 0.00002.
gnomAD v4.1: 14 of 1,611,766 alleles (0.00087%); highest among the groups gnomAD compares: Non-Finnish European, 0.00017%; no homozygotes.

Submissions (4):

Athena Diagnostics
Classification: Uncertain significance. Last evaluated: 2025-06-20. Review status: criteria provided, single submitter. Criteria: Athena Diagnostics Criteria. Collection method: clinical testing. Allele origin: unknown.
Comment: Available data are insufficient to determine the clinical significance of the variant at this time. The frequency of this variant in the general population is uninformative in assessment of its pathogenicity. Computational tools yielded predictions that this variant may interfere with normal RNA splicing.

GeneDx
Classification: Likely pathogenic. Last evaluated: 2025-04-05. Review status: criteria provided, single submitter. Criteria: GeneDx Variant Classification Process June 2021. Collection method: clinical testing. Allele origin: germline. Affected: yes.
Comment: Intronic variant directly or indirectly altering the +5 splice site in a gene for which loss of function is a known mechanism of disease, and splice predictors support a deleterious effect; Not observed at significant frequency in large population cohorts (gnomAD); Has not been previously published as pathogenic or benign to our knowledge

Labcorp Genetics (formerly Invitae), Labcorp
Classification: Uncertain significance for Progressive sclerosing poliodystrophy. Last evaluated: 2024-12-18. Review status: criteria provided, single submitter. Criteria: Invitae Variant Classification Sherloc (09022015). Collection method: clinical testing. Allele origin: germline.
Comment: This sequence change falls in intron 6 of the POLG gene. It does not directly change the encoded amino acid sequence of the POLG protein. It affects a nucleotide within the consensus splice site. This variant is not present in population databases (gnomAD no frequency). This variant has not been reported in the literature in individuals affected with POLG-related conditions. ClinVar contains an entry for this variant (Variation ID: 206590). Variants that disrupt the consensus splice site are a relatively common cause of aberrant splicing (PMID: 17576681, 9536098). Algorithms developed to predict the effect of sequence changes on RNA splicing suggest that this variant may disrupt the consensus splice site. In summary, the available evidence is currently insufficient to determine the role of this variant in disease. Therefore, it has been classified as a Variant of Uncertain Significance.

Eurofins Ntd Llc (ga)
Classification: Uncertain significance. Last evaluated: 2017-04-13. Review status: criteria provided, single submitter. Criteria: EGL Classification Definitions 2015. Collection method: clinical testing. Allele origin: germline. Observed: 1 variant allele, 1 heterozygote.

Literature cited by the submitters: PubMed 31440721 (cited by Athena Diagnostics); PubMed 17576681 (cited by Labcorp Genetics (formerly Invitae), Labcorp); PubMed 9536098 (cited by Labcorp Genetics (formerly Invitae), Labcorp).

NM_002693.3(POLG):c.1250+5G>T

Gene: POLG (DNA polymerase gamma, catalytic subunit; minus strand). Cytogenetic location: 15q26.1.
Variant type: single nucleotide variant.
Coding change: c.1250+5G>T on transcript NM_002693.3 (MANE Select); 5 bases into the intron after coding-DNA position 1250, G replaced by T.
Molecular consequence: intron variant.
Genome position (GRCh38, 1-based): chr15:89,328,451, C>A on the plus strand (G>T on the coding strand, the complement: POLG is on the minus strand). VCF-style: chr15-89328451-C-A. GRCh37 (hg19) VCF-style: chr15-89871682-C-A.
Other names: c.1250+5G>T (NM_001126131.2).
Identifiers: ClinVar variation 206590 (VCV000206590.14), dbSNP rs751221993, ClinGen allele CA316823.